The following is an entry in ClinVar:

NM_000057.4(BLM):c.4015A>G (p.Met1339Val)

Gene: BLM (BLM RecQ like helicase; plus strand). Cytogenetic location: 15q26.1.
Variant type: single nucleotide variant.
Coding change: c.4015A>G on transcript NM_000057.4 (MANE Select); coding-DNA position 4015, A replaced by G.
Protein change: p.Met1339Val; replaces methionine 1339 with valine.
Molecular consequence: missense variant.
Genome position (GRCh38, 1-based): chr15:90,811,345, A>G. VCF-style: chr15-90811345-A-G. GRCh37 (hg19) VCF-style: chr15-91354575-A-G.
Other names: c.4015A>G, p.Met1339Val (NM_001287246.2); c.3622A>G, p.Met1208Val (NM_001287247.2); c.2890A>G, p.Met964Val (NM_001287248.2); short protein forms M1208V, M1339V, M964V.
Identifiers: ClinVar variation 2566834 (VCV002566834.2), dbSNP rs2505567414, ClinGen allele CA393851263.

ClinVar aggregate classification (germline): Uncertain significance (1 of 4 stars; one submission).

Conditions:
Hereditary cancer-predisposing syndrome. Also called: Hereditary neoplastic syndrome; Hereditary Cancer Syndrome; Neoplastic Syndromes, Hereditary; Tumor predisposition. Identifiers: Orphanet 140162, MedGen C0027672, MeSH D009386, MONDO:0015356.

Submission:

Ambry Genetics
Classification: Uncertain significance for Hereditary cancer-predisposing syndrome. Last evaluated: 2023-05-11. Review status: criteria provided, single submitter. Criteria: Ambry Variant Classification Scheme 2023. Collection method: clinical testing. Allele origin: germline.
Comment: The p.M1339V variant (also known as c.4015A>G), located in coding exon 20 of the BLM gene, results from an A to G substitution at nucleotide position 4015. The methionine at codon 1339 is replaced by valine, an amino acid with highly similar properties. This amino acid position is conserved. In addition, this alteration is predicted to be tolerated by in silico analysis. Since supporting evidence is limited at this time, the clinical significance of this alteration remains unclear.